The following is an entry in ClinVar:

ClinVar aggregate classification (germline): Likely benign. Review status: criteria provided, single submitter (1 of 4 stars). 2 submissions from 2 submitters: Likely benign (1). 1 of the submissions does not count toward it. Last evaluated 2025-07-10.

Conditions:
GREB1L-related disorder. Also called: GREB1L-related condition.

Allele frequency attached by ClinVar (database versions not stated): gnomAD 0.00001; TOPMed 0.00001; gnomAD exomes 0.00002 and 0.00003; 1000 Genomes Project 30x 0.00031.
gnomAD v4.1: 33 of 1,549,882 alleles (0.0021%); highest among the groups gnomAD compares: East Asian, 0.0073%; no homozygotes.

Submissions (2):

Labcorp Genetics (formerly Invitae), Labcorp
Classification: Likely benign. Last evaluated: 2025-07-10. Review status: criteria provided, single submitter. Criteria: Invitae Variant Classification Sherloc (09022015). Collection method: clinical testing. Allele origin: germline.

PreventionGenetics, part of Exact Sciences
Classification: Likely benign for GREB1L-related condition. Last evaluated: 2021-11-08. Review status: no assertion criteria provided. Collection method: clinical testing. Allele origin: germline. Not counted in ClinVar's aggregate classification.
Comment: This variant is classified as likely benign based on ACMG/AMP sequence variant interpretation guidelines (Richards et al. 2015 PMID: 25741868, with internal and published modifications).

NM_001142966.3(GREB1L):c.3582G>A (p.Ala1194=)

Gene: GREB1L (GREB1 like retinoic acid receptor coactivator; plus strand). Cytogenetic location: 18q11.1.
Variant type: single nucleotide variant.
Coding change: c.3582G>A on transcript NM_001142966.3 (MANE Select); coding-DNA position 3582, G replaced by A.
Protein change: p.Ala1194=; no amino-acid change (alanine 1194 retained).
Molecular consequence: synonymous variant.
Genome position (GRCh38, 1-based): chr18:21,499,919, G>A. VCF-style: chr18-21499919-G-A. GRCh37 (hg19) VCF-style: chr18-19079880-G-A.
Other names: c.3582G>A (NM_001142966.1).
Identifiers: ClinVar variation 1556365 (VCV001556365.10), dbSNP rs1394202414, ClinGen allele CA503518579.
Genomic context (GRCh38, chr18:21,499,919, plus strand): 5'-TGGAGCCGGAGCCGGGGAGACTCTGAAGCAGGAATGTGACTCCCTGGGCCCCCAGATGGC[G>A]AGCAGCACCACCTCCAAGCCGTCATCATCATCCTCAGGACCCAGGACCCTCCCATGGCCG-3'
Protein context (NP_001136438.1, residues 1184-1204): QECDSLGPQM[Ala1194=]SSTTSKPSSS